The following is an entry in ClinVar:

NM_181523.3(PIK3R1):c.335-21006dup

Gene: PIK3R1 (phosphoinositide-3-kinase regulatory subunit 1; plus strand). Cytogenetic location: 5q13.1.
Variant type: Duplication.
Coding change: c.335-21006dup on transcript NM_181523.3 (MANE Select); 21006 bases into the intron before coding-DNA position 335, one base duplicated (A; older notation c.335-21006dupA).
Molecular consequence: intron variant.
Genome position (GRCh38, 1-based): chr5:68,252,384, A duplicated; the last of 12 consecutive A bases (chr5:68,252,373-68,252,384); duplicating any one gives the same sequence. VCF-style (leftmost placement, unchanged base first): chr5-68252372-C-CA. GRCh37 (hg19) VCF-style: chr5-67548200-C-CA.
Identifiers: ClinVar variation 2688197 (VCV002688197.2), dbSNP rs5868527, ClinGen allele CA120632386.
Genomic context (GRCh38, chr5:68,252,372, plus strand): 5'-AAGTTGGCAGATATGCTTATTTGAAAGCAAAGCTTGTTGCTGGTGAGATTACTGAATTTA[C>CA]AAAAAAAAAAAAGTGGGGGGATCAGATGCCAAGGGAGAGGGAAGGGAGTGTGTAGCATTT-3'

ClinVar aggregate classification (germline): Benign (1 of 4 stars; one submission).

Submission:

Unidad de Genómica Garrahan, Hospital de Pediatría Garrahan
Classification: Benign. Last evaluated: 2024-01-24. Review status: criteria provided, single submitter. Criteria: ACMG Guidelines, 2015. Collection method: clinical testing. Allele origin: germline. Affected: no. Observed: 35 variant alleles.
Comment: This variant is classified as Benign based on local population frequency. This variant was detected in 37% of patients studied by a panel of primary immunodeficiencies. Number of patients: 35. Only high quality variants are reported.